The following is an entry in ClinVar:

NM_000384.3(APOB):c.7964C>G (p.Thr2655Ser)

Gene: APOB (apolipoprotein B; minus strand). Cytogenetic location: 2p24.1.
Variant type: single nucleotide variant.
Coding change: c.7964C>G on transcript NM_000384.3 (MANE Select); coding-DNA position 7964, C replaced by G.
Protein change: p.Thr2655Ser; replaces threonine 2655 with serine.
Molecular consequence: missense variant.
Genome position (GRCh38, 1-based): chr2:21,008,904, G>C on the plus strand (C>G on the coding strand, the complement: APOB is on the minus strand). VCF-style: chr2-21008904-G-C. GRCh37 (hg19) VCF-style: chr2-21231776-G-C.
Other names: short protein forms T2655S.
Identifiers: ClinVar variation 3127919 (VCV003127919.3), dbSNP rs148987924, ClinGen allele CA43501765.

ClinVar aggregate classification (germline): Uncertain significance. Review status: criteria provided, multiple submitters, no conflicts (2 of 4 stars). 2 submissions from 2 submitters: Uncertain significance (2). Last evaluated 2026-09-11.

Conditions:
Familial hypobetalipoproteinemia 1. Also called: Hypobetalipoproteinemia, normotriglyceridemic; Acanthocytosis with hypobetalipoproteinemia; APOB-Related Familial Hypobetalipoproteinemia. Identifiers: MedGen C4551990, MONDO:0014252, OMIM 615558.
Hypercholesterolemia, autosomal dominant, type B (FHCL2). Also called: Familial Hypercholesterolemia Type B; APOLIPOPROTEIN B-100, FAMILIAL DEFECTIVE; APOLIPOPROTEIN B-100, FAMILIAL LIGAND-DEFECTIVE; HYPERCHOLESTEROLEMIA, FAMILIAL, DUE TO LIGAND-DEFECTIVE APOLIPOPROTEIN B; APOB-Related Familial Hypercholesterolemia, Autosomal Dominant; Hyperlipoproteinemia Type IIb. Identifiers: MedGen C1704417, MONDO:0007751, OMIM 144010.
Cardiovascular phenotype. Identifiers: MedGen CN230736.

Allele frequency attached by ClinVar (database versions not stated): TOPMed 0.00001; gnomAD exomes 0.00002; ESP Exome Variant Server 0.00008.
gnomAD v4.1: 27 of 1,614,074 alleles (0.0017%); highest among the groups gnomAD compares: Non-Finnish European, 0.0023%; no homozygotes.

Submissions (2):

Ambry Genetics
Classification: Uncertain significance for Cardiovascular phenotype. Last evaluated: 2026-09-11. Review status: criteria provided, single submitter. Criteria: Ambry Variant Classification Scheme 2023. Collection method: clinical testing. Allele origin: germline.
Comment: The p.T2655S variant (also known as c.7964C>G), located in coding exon 26 of the APOB gene, results from a C to G substitution at nucleotide position 7964. The threonine at codon 2655 is replaced by serine, an amino acid with similar properties. This amino acid position is conserved. In addition, this alteration is predicted to be tolerated by in silico analysis. Based on the available evidence, the clinical significance of this variant remains unclear.

Labcorp Genetics (formerly Invitae), Labcorp
Classification: Uncertain significance for Familial hypobetalipoproteinemia 1; Hypercholesterolemia, autosomal dominant, type B. Last evaluated: 2025-11-11. Review status: criteria provided, single submitter. Criteria: Invitae Variant Classification Sherloc (09022015). Collection method: clinical testing. Allele origin: germline.
Comment: This sequence change replaces threonine, which is neutral and polar, with serine, which is neutral and polar, at codon 2655 of the APOB protein (p.Thr2655Ser). This variant is present in population databases (rs148987924, gnomAD 0.002%). This variant has not been reported in the literature in individuals affected with APOB-related conditions. ClinVar contains an entry for this variant (Variation ID: 3127919). Invitae Evidence Modeling of protein sequence and biophysical properties (such as structural, functional, and spatial information, amino acid conservation, physicochemical variation, residue mobility, and thermodynamic stability) indicates that this missense variant is not expected to disrupt APOB protein function with a negative predictive value of 95%. In summary, the available evidence is currently insufficient to determine the role of this variant in disease. Therefore, it has been classified as a Variant of Uncertain Significance.